The following is an entry in ClinVar:

NM_021008.4(DEAF1):c.344C>A (p.Thr115Asn)

Gene: DEAF1 (DEAF1 transcription factor; minus strand). Cytogenetic location: 11p15.5.
Variant type: single nucleotide variant.
Coding change: c.344C>A on transcript NM_021008.4 (MANE Select); coding-DNA position 344, C replaced by A.
Protein change: p.Thr115Asn; replaces threonine 115 with asparagine.
Molecular consequence: missense variant. On other transcripts: 5 prime UTR variant (1).
Genome position (GRCh38, 1-based): chr11:691,544, G>T on the plus strand (C>A on the coding strand, the complement: DEAF1 is on the minus strand). VCF-style: chr11-691544-G-T. GRCh37 (hg19) VCF-style: chr11-691544-G-T.
Other names: c.344C>A, p.Thr115Asn (NM_001293634.2); c.-383C>A (NM_001367390.1); c.344C>A (NM_021008.2); short protein forms T115N.
Identifiers: ClinVar variation 1719903 (VCV001719903.6), dbSNP rs1860834886, ClinGen allele CA378937761.

ClinVar aggregate classification (germline): Uncertain significance. Review status: criteria provided, multiple submitters, no conflicts (2 of 4 stars). 2 submissions from 2 submitters: Uncertain significance (2). Last evaluated 2025-12-16.

Conditions:
Inborn genetic diseases. Identifiers: MedGen C0950123, MeSH D030342.

Submissions (2):

Ambry Genetics
Classification: Uncertain significance for Inborn genetic diseases. Last evaluated: 2025-12-16. Review status: criteria provided, single submitter. Criteria: Ambry Variant Classification Scheme 2023. Collection method: clinical testing. Allele origin: germline.

Labcorp Genetics (formerly Invitae), Labcorp
Classification: Uncertain significance. Last evaluated: 2022-09-20. Review status: criteria provided, single submitter. Criteria: Invitae Variant Classification Sherloc (09022015). Collection method: clinical testing. Allele origin: germline.
Comment: This sequence change replaces threonine, which is neutral and polar, with asparagine, which is neutral and polar, at codon 115 of the DEAF1 protein (p.Thr115Asn). In summary, the available evidence is currently insufficient to determine the role of this variant in disease. Therefore, it has been classified as a Variant of Uncertain Significance. Algorithms developed to predict the effect of missense changes on protein structure and function (SIFT, PolyPhen-2, Align-GVGD) all suggest that this variant is likely to be disruptive. This variant has not been reported in the literature in individuals affected with DEAF1-related conditions. This variant is not present in population databases (gnomAD no frequency).